The following is an entry in ClinVar:

GRCh37/hg19 6p21.33(chr6:31630124-31657924)x1

Genes: ABHD16A (abhydrolase domain containing 16A, phospholipase; minus strand), CSNK2B (casein kinase 2 beta; plus strand), GPANK1 (G-patch domain and ankyrin repeats 1; minus strand), LY6G5B (lymphocyte antigen 6 family member G5B; plus strand), LY6G5C (lymphocyte antigen 6 family member G5C; minus strand). Cytogenetic location: 6p21.33.
Variant type: copy number loss.
Change: copy number 1 (one copy instead of two) of chr6:31,630,124-31,657,924 (27.8 kb, GRCh37 coordinates, 1-based), cytogenetic band 6p21.33.
Identifiers: ClinVar variation 3338455 (VCV003338455.1).

ClinVar aggregate classification (germline): Likely pathogenic (0 of 4 stars; one submission).

Conditions:
Poirier-Bienvenu neurodevelopmental syndrome (POBINDS). Identifiers: Orphanet 689397, MedGen C5231482, MONDO:0032889, OMIM 618732.

Submission:

Solve-RD Consortium
Classification: Likely pathogenic for Poirier-Bienvenu neurodevelopmental syndrome. Last evaluated: 2024-06-01. Review status: no assertion criteria provided. Collection method: provider interpretation. Allele origin: de novo. Affected: yes.
Comment: This CNV was confirmed by the submitting clinician to impact a gene that corresponds with the phenotype of the affected individual, and thus deemed to be causative for their condition.

Literature cited by the submitters: PubMed 39825153.